The following is an entry in ClinVar:

NM_001365951.3(KIF1B):c.2809G>A (p.Glu937Lys)

Genes: KIF1B (kinesin family member 1B; plus strand), LOC126805614 (BRD4-independent group 4 enhancer GRCh37_chr1:10385546-10386745; plus strand). Cytogenetic location: 1p36.22.
Variant type: single nucleotide variant.
Coding change: c.2809G>A on transcript NM_001365951.3 (MANE Select); coding-DNA position 2809, G replaced by A.
Protein change: p.Glu937Lys; replaces glutamic acid 937 with lysine.
Molecular consequence: missense variant.
Genome position (GRCh38, 1-based): chr1:10,326,244, G>A. VCF-style: chr1-10326244-G-A. GRCh37 (hg19) VCF-style: chr1-10386302-G-A.
Other names: c.2809G>A, p.Glu937Lys (NM_001365952.1); c.2671G>A, p.Glu891Lys (NM_015074.3); short protein forms E891K, E937K.
Identifiers: ClinVar variation 4858865 (VCV004858865.1).
Genomic context (GRCh38, chr1:10,326,244, plus strand): 5'-GATTCCGACATCACTGAGCTGGCTGACGAGCAGCAAGATGAGATGGAGGATTTTGATGAT[G>A]AGGCATTCGTGGATGACGCCGGCTCTGACGCAGGGACGGAGGAGGGATCAGATCTCTTCA-3'
Protein context (NP_001352880.1, residues 927-947): QQDEMEDFDD[Glu937Lys]AFVDDAGSDA

ClinVar aggregate classification (germline): Uncertain significance (1 of 4 stars; one submission).

Submission:

Ambry Genetics
Classification: Uncertain significance. Last evaluated: 2026-05-15. Review status: criteria provided, single submitter. Criteria: Ambry Variant Classification Scheme 2023. Collection method: clinical testing. Allele origin: germline.
Comment: The p.E891K variant (also known as c.2671G>A), located in coding exon 24 of the KIF1B gene, results from a G to A substitution at nucleotide position 2671. The glutamic acid at codon 891 is replaced by lysine, an amino acid with similar properties. This amino acid position is conserved. In addition, this alteration is predicted to be deleterious by in silico analysis. Based on the available evidence, the clinical significance of this variant remains unclear.